The following is an entry in ClinVar:

ClinVar aggregate classification (germline): Pathogenic. Review status: criteria provided, multiple submitters, no conflicts (2 of 4 stars). 3 submissions from 3 submitters: Pathogenic (3). Last evaluated 2025-09-17.

Conditions:
Hereditary retinoblastoma. Identifiers: Orphanet 357027, MedGen C0751483, MONDO:0018160.
Retinoblastoma (RB1). Also called: RETINOBLASTOMA, SOMATIC. Identifiers: Orphanet 790, MedGen C0035335, MeSH D012175, MONDO:0008380, OMIM 180200, HP:0009919. Disease mechanism: loss of function. Inheritance: Both sporadic and heritable forms are tested..

Submissions (3):

Ramesar Group, Division of Human Genetics, Institute of Infectious Diseases and Molecular Medicine, UCT/MRC Genomic and Precision Medicine Research Unit, University of Cape Town
Classification: Pathogenic for Hereditary retinoblastoma. Last evaluated: 2025-09-17. Review status: criteria provided, single submitter. Criteria: ACMG Guidelines, 2015. Collection method: research. Allele origin: germline. Affected: yes. Observed: 2 variant alleles.
Comment: PVS1: Null variant (frameshift) in a gene (RB1) where LOF is a known mechanism of disease PM2: Absent from gnomAD and ExAC PP4: Patient 1 and 2 present with bilateral retinoblastoma PP5: Reported as pathogenic in ClinVar and the LOVD

Genetic Diagnostic Laboratory, University of Pennsylvania School of Medicine
Classification: Pathogenic for Retinoblastoma. Last evaluated: 2024-05-20. Review status: criteria provided, single submitter. Criteria: ACMG Guidelines, 2015. Collection method: clinical testing. Allele origin: germline. Affected: yes. Observed: 1 variant allele.
Comment: Case and Pedigree Information: BILATERAL CASES:1, UNILATERAL CASES:0, TOTAL CASES:1, PEDIGREES:1. ACMG Codes Applied:PVS1, PM2

Labcorp Genetics (formerly Invitae), Labcorp
Classification: Pathogenic for Retinoblastoma. Last evaluated: 2022-05-30. Review status: criteria provided, single submitter. Criteria: Invitae Variant Classification Sherloc (09022015). Collection method: clinical testing. Allele origin: germline.
Comment: For these reasons, this variant has been classified as Pathogenic. ClinVar contains an entry for this variant (Variation ID: 659361). This premature translational stop signal has been observed in individual(s) with retinoblastoma (PMID: 31106028; Invitae). This variant is not present in population databases (gnomAD no frequency). This sequence change creates a premature translational stop signal (p.Ala17Profs*3) in the RB1 gene. It is expected to result in an absent or disrupted protein product. Loss-of-function variants in RB1 are known to be pathogenic (PMID: 17096365).

Literature cited by the submitters: PubMed 31106028 (cited by Labcorp Genetics (formerly Invitae), Labcorp); PubMed 17096365 (cited by Labcorp Genetics (formerly Invitae), Labcorp).

NM_000321.3(RB1):c.45_76del (p.Ala17fs)

Gene: RB1 (RB transcriptional corepressor 1; plus strand). Cytogenetic location: 13q14.2.
Variant type: Deletion.
Coding change: c.45_76del on transcript NM_000321.3 (MANE Select); coding-DNA positions 45 to 76, 32 bases deleted.
Protein change: p.Ala17fs; shifts the reading frame from alanine 17.
Molecular consequence: frameshift variant.
Genome position (GRCh38, 1-based): chr13:48,303,957-48,303,988, 32 bases deleted; deleting any 32 consecutive bases within chr13:48,303,945-48,303,988 gives the same sequence; the c. name uses the placement nearest the transcript's 3' end. GRCh37 (hg19): chr13:48,878,093-48,878,124.
Other names: c.45_76delTGCCGCCGCGGAACCCCCGGCACCGCCGCCGC (NM_000321.2); short protein forms A17fs.
Identifiers: ClinVar variation 659361 (VCV000659361.7), dbSNP rs1593412002, ClinGen allele CA915948545.